The following is an entry in ClinVar:

NM_001130965.3(SUN1):c.1210G>A (p.Ala404Thr)

Gene: SUN1 (Sad1 and UNC84 domain containing 1; plus strand). Cytogenetic location: 7p22.3.
Variant type: single nucleotide variant.
Coding change: c.1210G>A on transcript NM_001130965.3 (MANE Select); coding-DNA position 1210, G replaced by A.
Protein change: p.Ala404Thr; replaces alanine 404 with threonine.
Molecular consequence: missense variant. On other transcripts: non-coding transcript variant (3).
Genome position (GRCh38, 1-based): chr7:853,565, G>A. VCF-style: chr7-853565-G-A. GRCh37 (hg19) VCF-style: chr7-893202-G-A.
Other names: c.1402G>A, p.Ala468Thr (NM_001367643.1); c.1141G>A, p.Ala381Thr (NM_001367644.1); c.1171G>A, p.Ala391Thr (NM_001367645.1, NM_001367667.1, NM_001367689.1); c.1321G>A, p.Ala441Thr (NM_001367664.1, NM_001367685.1, NM_001367696.1); c.1207G>A, p.Ala403Thr (NM_001367665.1, NM_001367694.1); c.1453G>A, p.Ala485Thr (NM_001367666.1, NM_001367655.1); c.1252G>A, p.Ala418Thr (NM_001367668.1, NM_001367647.1); c.1237G>A, p.Ala413Thr (NM_001367669.1); and 39 more; short protein forms A215T, A348T, A358T, A378T, A413T, A432T, A457T, A465T.
Identifiers: ClinVar variation 1478153 (VCV001478153.10), dbSNP rs757340477, ClinGen allele CA4112093.

ClinVar aggregate classification (germline): Uncertain significance. Review status: criteria provided, multiple submitters, no conflicts (2 of 4 stars). 3 submissions from 3 submitters: Uncertain significance (3). Last evaluated 2025-06-03.

Conditions:
Emery-Dreifuss muscular dystrophy (EDMD). Also called: Scapuloperoneal syndrome, X-linked (formerly); Humeroperoneal neuromuscular disease, (formerly). Identifiers: Orphanet 261, MedGen C0410189, MONDO:0016830.

Allele frequency attached by ClinVar (database versions not stated): ExAC 0.00003; gnomAD exomes 0.00003 and 0.00004.
gnomAD v4.1: 41 of 1,610,714 alleles (0.0025%); highest among the groups gnomAD compares: Middle Eastern, 0.017%; no homozygotes.

Submissions (3):

Ambry Genetics
Classification: Uncertain significance. Last evaluated: 2025-06-03. Review status: criteria provided, single submitter. Criteria: Ambry Variant Classification Scheme 2023. Collection method: clinical testing. Allele origin: germline.

Labcorp Genetics (formerly Invitae), Labcorp
Classification: Uncertain significance for Emery-Dreifuss muscular dystrophy. Last evaluated: 2021-07-26. Review status: criteria provided, single submitter. Criteria: Invitae Variant Classification Sherloc (09022015). Collection method: clinical testing. Allele origin: germline.
Comment: Algorithms developed to predict the effect of missense changes on protein structure and function (SIFT, PolyPhen-2, Align-GVGD) all suggest that this variant is likely to be tolerated. In summary, the available evidence is currently insufficient to determine the role of this variant in disease. Therefore, it has been classified as a Variant of Uncertain Significance. This variant has not been reported in the literature in individuals affected with SUN1-related conditions. This variant is present in population databases (rs757340477, ExAC 0.009%). This sequence change replaces alanine with threonine at codon 404 of the SUN1 protein (p.Ala404Thr). The alanine residue is weakly conserved and there is a small physicochemical difference between alanine and threonine.

Breakthrough Genomics
Classification: Uncertain significance. Review status: criteria provided, single submitter. Criteria: ACMG Guidelines, 2015. Collection method: not provided. Allele origin: germline. Inheritance: Unknown mechanism. Affected: yes.